The following is an entry in ClinVar:

ClinVar aggregate classification (germline): Uncertain significance (1 of 4 stars; one submission).

Conditions:
Myopathy, proximal, and ophthalmoplegia (CMYO6). Also called: INCLUSION BODY MYOPATHY 3, AUTOSOMAL DOMINANT; CONGENITAL MYOPATHY 6 WITH OPHTHALMOPLEGIA; MYOPATHY WITH CONGENITAL JOINT CONTRACTURES, OPHTHALMOPLEGIA, AND RIMMED VACUOLES. Identifiers: Orphanet 363677, Orphanet 79091, MedGen C1854106, MONDO:0011577, OMIM 605637.

Submission:

Labcorp Genetics (formerly Invitae), Labcorp
Classification: Uncertain significance for Myopathy, proximal, and ophthalmoplegia. Last evaluated: 2023-02-23. Review status: criteria provided, single submitter. Criteria: Invitae Variant Classification Sherloc (09022015). Collection method: clinical testing. Allele origin: germline.
Comment: In summary, the available evidence is currently insufficient to determine the role of this variant in disease. Therefore, it has been classified as a Variant of Uncertain Significance. Advanced modeling of protein sequence and biophysical properties (such as structural, functional, and spatial information, amino acid conservation, physicochemical variation, residue mobility, and thermodynamic stability) performed at Invitae indicates that this missense variant is expected to disrupt MYH2 protein function. This variant has not been reported in the literature in individuals affected with MYH2-related conditions. This variant is not present in population databases (gnomAD no frequency). This sequence change replaces phenylalanine, which is neutral and non-polar, with cysteine, which is neutral and slightly polar, at codon 513 of the MYH2 protein (p.Phe513Cys).

NM_017534.6(MYH2):c.1538T>G (p.Phe513Cys)

Genes: MYHAS (myosin heavy chain gene cluster antisense RNA; plus strand), MYH2 (myosin heavy chain 2; minus strand). Cytogenetic location: 17p13.1.
Variant type: single nucleotide variant.
Coding change: c.1538T>G on transcript NM_017534.6 (MANE Select); coding-DNA position 1538, T replaced by G.
Protein change: p.Phe513Cys; replaces phenylalanine 513 with cysteine.
Molecular consequence: missense variant.
Genome position (GRCh38, 1-based): chr17:10,537,714, A>C on the plus strand (T>G on the coding strand, the complement: MYH2 is on the minus strand). VCF-style: chr17-10537714-A-C. GRCh37 (hg19) VCF-style: chr17-10441031-A-C.
Other names: c.1538T>G, p.Phe513Cys (NM_001100112.2); short protein forms F513C.
Identifiers: ClinVar variation 2781462 (VCV002781462.3), dbSNP rs2508452557, ClinGen allele CA398157269.